The following is an entry in ClinVar:

NM_014855.3(AP5Z1):c.1341C>T (p.Thr447=)

Gene: AP5Z1 (adaptor related protein complex 5 subunit zeta 1; plus strand). Cytogenetic location: 7p22.1.
Variant type: single nucleotide variant.
Coding change: c.1341C>T on transcript NM_014855.3 (MANE Select); coding-DNA position 1341, C replaced by T.
Protein change: p.Thr447=; no amino-acid change (threonine 447 retained).
Molecular consequence: synonymous variant. On other transcripts: non-coding transcript variant (1).
Genome position (GRCh38, 1-based): chr7:4,787,663, C>T. VCF-style: chr7-4787663-C-T. GRCh37 (hg19) VCF-style: chr7-4827294-C-T.
Other names: c.1341C>T, p.Thr447= (LRG_1247t1); c.873C>T, p.Thr291= (NM_001364858.1).
Identifiers: ClinVar variation 360327 (VCV000360327.30), dbSNP rs60284677, ClinGen allele CA4137767.

ClinVar aggregate classification (germline): Conflicting classifications of pathogenicity. Review status: criteria provided, conflicting classifications (1 of 4 stars). 5 submissions from 5 submitters: Uncertain significance (1); Benign (1); Likely benign (3). Last evaluated 2025-08-30.

Conditions:
Hereditary spastic paraplegia 48. Also called: Spastic paraplegia 48; SPASTIC PARAPLEGIA 48, AUTOSOMAL RECESSIVE. Identifiers: Orphanet 306511, MedGen C3150901, MONDO:0013342, OMIM 613647.
Hereditary spastic paraplegia. Also called: Familial spastic paraparesis. Identifiers: Orphanet 685, MedGen C0037773, MONDO:0019064. Disease mechanism: loss of function.

Allele frequency attached by ClinVar (database versions not stated): gnomAD 0.00009 and 0.00016; gnomAD exomes 0.00010 and 0.00033; 1000 Genomes Project 30x 0.00016; 1000 Genomes Project 0.00020; TOPMed 0.00021; ExAC 0.00054.
gnomAD v4.1: 179 of 1,553,362 alleles (0.012%); highest among the groups gnomAD compares: East Asian, 0.25%; 2 homozygotes.

Submissions (5):

Labcorp Genetics (formerly Invitae), Labcorp
Classification: Benign for Hereditary spastic paraplegia 48. Last evaluated: 2025-08-30. Review status: criteria provided, single submitter. Criteria: Invitae Variant Classification Sherloc (09022015). Collection method: clinical testing. Allele origin: germline.

Blueprint Genetics
Classification: Likely benign. Last evaluated: 2024-10-25. Review status: criteria provided, single submitter. Criteria: ACMG Guidelines, 2015. Collection method: clinical testing. Allele origin: germline.

CeGaT Center for Human Genetics Tuebingen
Classification: Likely benign. Last evaluated: 2024-10-01. Review status: criteria provided, single submitter. Criteria: CeGaT Center For Human Genetics Tuebingen Variant Classification Criteria Version 2. Collection method: clinical testing. Allele origin: germline. Affected: yes. Observed: 1 variant allele.
Comment: AP5Z1: BP4, BP7

Genome Diagnostics Laboratory, The Hospital for Sick Children
Classification: Likely benign for Hereditary spastic paraplegia. Last evaluated: 2021-04-09. Review status: criteria provided, single submitter. Criteria: ACMG Guidelines, 2015. Collection method: clinical testing. Allele origin: germline. Affected: yes.

Illumina Laboratory Services, Illumina
Classification: Uncertain significance for Hereditary spastic paraplegia 48. Last evaluated: 2018-01-12. Review status: criteria provided, single submitter. Criteria: ICSL Variant Classification Criteria 13 December 2019. Collection method: clinical testing. Allele origin: germline.